The following is an entry in ClinVar:

ClinVar aggregate classification (germline): Pathogenic (1 of 4 stars; one submission).

Conditions:
Short stature, rhizomelic, with microcephaly, micrognathia, and developmental delay (SSMG). Also called: SHORT STATURE-MICROGNATHIA SYNDROME. Identifiers: Orphanet 659702, MedGen C4310686, MONDO:0014948, OMIM 617164.

Submission:

Johns Hopkins Genomics, Johns Hopkins University
Classification: Pathogenic for Short stature, rhizomelic, with microcephaly, micrognathia, and developmental delay. Last evaluated: 2021-02-25. Review status: criteria provided, single submitter. Criteria: ACMG Guidelines, 2015. Collection method: clinical testing. Allele origin: germline.
Comment: This ARCN1 variant is absent from a large population dataset and has not been reported in ClinVar nor the literature, to our knowledge. This variant results in a frameshift in exon 9 of 10 that is predicted to introduce a premature termination codon (PTC), likely leading to nonsense-mediated decay and lack of protein production. We consider c.1286delA to be pathogenic.

Literature cited by the submitters: PubMed 27476655; PubMed 31075182; PubMed 33154040.

NM_001655.5(ARCN1):c.1286del (p.Tyr429fs)

Gene: ARCN1 (archain 1; plus strand). Cytogenetic location: 11q23.3.
Variant type: Deletion.
Coding change: c.1286del on transcript NM_001655.5 (MANE Select); coding-DNA position 1286, one base deleted (A; older notation c.1286delA).
Protein change: p.Tyr429fs; shifts the reading frame from tyrosine 429.
Molecular consequence: frameshift variant.
Genome position (GRCh38, 1-based): chr11:118,597,751, A deleted. VCF-style (leftmost placement, unchanged base first): chr11-118597750-TA-T. GRCh37 (hg19) VCF-style: chr11-118468465-TA-T.
Other names: c.1022del, p.Tyr341fs (NM_001142281.2); c.1286delA (NM_001655.5); short protein forms Y341fs, Y429fs.
Identifiers: ClinVar variation 1048776 (VCV001048776.1), dbSNP rs2135556648, ClinGen allele CA2499220792.